The following is an entry in ClinVar:

ClinVar aggregate classification (germline): Uncertain significance. Review status: criteria provided, multiple submitters, no conflicts (2 of 4 stars). 2 submissions from 2 submitters: Uncertain significance (2). Last evaluated 2025-09-12.

gnomAD v4.1: 4 of 1,613,398 alleles (0.00025%); highest among the groups gnomAD compares: Admixed American, 0.0033%; no homozygotes.

Submissions (2):

Labcorp Genetics (formerly Invitae), Labcorp
Classification: Uncertain significance. Last evaluated: 2025-09-12. Review status: criteria provided, single submitter. Criteria: Invitae Variant Classification Sherloc (09022015). Collection method: clinical testing. Allele origin: germline.
Comment: This sequence change replaces phenylalanine, which is neutral and non-polar, with valine, which is neutral and non-polar, at codon 272 of the CAPN5 protein (p.Phe272Val). This variant is present in population databases (no rsID available, gnomAD 0.006%). This variant has not been reported in the literature in individuals affected with CAPN5-related conditions. ClinVar contains an entry for this variant (Variation ID: 2161357). An algorithm developed to predict the effect of missense changes on protein structure and function (PolyPhen-2) suggests that this variant is likely to be disruptive. In summary, the available evidence is currently insufficient to determine the role of this variant in disease. Therefore, it has been classified as a Variant of Uncertain Significance.

Blueprint Genetics
Classification: Uncertain significance. Last evaluated: 2021-11-26. Review status: criteria provided, single submitter. Criteria: ACMG Guidelines, 2015. Collection method: clinical testing. Allele origin: germline.

NM_004055.5(CAPN5):c.814T>G (p.Phe272Val)

Gene: CAPN5 (calpain 5; plus strand). Cytogenetic location: 11q13.5.
Variant type: single nucleotide variant.
Coding change: c.814T>G on transcript NM_004055.5 (MANE Select); coding-DNA position 814, T replaced by G.
Protein change: p.Phe272Val; replaces phenylalanine 272 with valine.
Molecular consequence: missense variant.
Genome position (GRCh38, 1-based): chr11:77,115,509, T>G. VCF-style: chr11-77115509-T-G. GRCh37 (hg19) VCF-style: chr11-76826555-T-G.
Other names: short protein forms F272V.
Identifiers: ClinVar variation 2161357 (VCV002161357.5), dbSNP rs1003325364, ClinGen allele CA381938867.